The following is an entry in ClinVar:

ClinVar aggregate classification (germline): Uncertain significance (1 of 4 stars; one submission).

Conditions:
Gastrointestinal stromal tumor. Also called: Gastrointestinal stromal tumor, somatic; Gastrointestinal stroma tumor. Identifiers: Orphanet 44890, MedGen C0238198, MeSH D046152, MONDO:0011719, OMIM 606764, HP:0100723.

Submission:

Labcorp Genetics (formerly Invitae), Labcorp
Classification: Uncertain significance for Gastrointestinal stromal tumor. Last evaluated: 2023-06-30. Review status: criteria provided, single submitter. Criteria: Invitae Variant Classification Sherloc (09022015). Collection method: clinical testing. Allele origin: germline.
Comment: This sequence change replaces alanine, which is neutral and non-polar, with valine, which is neutral and non-polar, at codon 507 of the KIT protein (p.Ala507Val). This variant is not present in population databases (gnomAD no frequency). This variant has not been reported in the literature in individuals affected with KIT-related conditions. An algorithm developed to predict the effect of missense changes on protein structure and function (PolyPhen-2) suggests that this variant is likely to be tolerated. In summary, the available evidence is currently insufficient to determine the role of this variant in disease. Therefore, it has been classified as a Variant of Uncertain Significance.

NM_000222.3(KIT):c.1520C>T (p.Ala507Val)

Gene: KIT (KIT proto-oncogene, receptor tyrosine kinase; plus strand). Cytogenetic location: 4q12.
Variant type: single nucleotide variant.
Coding change: c.1520C>T on transcript NM_000222.3 (MANE Select); coding-DNA position 1520, C replaced by T.
Protein change: p.Ala507Val; replaces alanine 507 with valine.
Molecular consequence: missense variant.
Genome position (GRCh38, 1-based): chr4:54,726,030, C>T. VCF-style: chr4-54726030-C-T. GRCh37 (hg19) VCF-style: chr4-55592196-C-T.
Other names: c.1523C>T, p.Ala508Val (NM_001385288.1, NM_001385290.1, NM_001385292.1 and 1 more transcripts); c.1520C>T, p.Ala507Val (NM_001093772.2, NM_001385285.1, NM_001385286.1); short protein forms A507V, A508V.
Identifiers: ClinVar variation 2959884 (VCV002959884.3), dbSNP rs2109769749, ClinGen allele CA356906673.
Genomic context (GRCh38, chr4:54,726,030, plus strand): 5'-GCACGGTTGAATGTAAGGCTTACAACGATGTGGGCAAGACTTCTGCCTATTTTAACTTTG[C>T]ATTTAAAGGTAACAACAAAGGTATATTTCTTTTTAATCCAATTTAAGGGGATGTTTAGGC-3'
Protein context (NP_000213.1, residues 497-517): VGKTSAYFNF[Ala507Val]FKGNNKEQIH